The following is an entry in ClinVar:

NM_003001.5(SDHC):c.377A>G (p.Tyr126Cys)

Gene: SDHC (succinate dehydrogenase complex subunit C; plus strand). Cytogenetic location: 1q23.3.
Variant type: single nucleotide variant.
Coding change: c.377A>G on transcript NM_003001.5 (MANE Select); coding-DNA position 377, A replaced by G.
Protein change: p.Tyr126Cys; replaces tyrosine 126 with cysteine.
Molecular consequence: missense variant. On other transcripts: non-coding transcript variant (1), intron variant (3).
Genome position (GRCh38, 1-based): chr1:161,356,812, A>G. VCF-style: chr1-161356812-A-G. GRCh37 (hg19) VCF-style: chr1-161326602-A-G.
Other names: c.275A>G, p.Tyr92Cys (NM_001035512.3); c.218A>G, p.Tyr73Cys (NM_001035513.3); c.497A>G, p.Tyr166Cys (NM_001407115.1); c.320A>G, p.Tyr107Cys (NM_001407116.1); c.314A>G, p.Tyr105Cys (NM_001407117.1); c.269A>G, p.Tyr90Cys (NM_001407118.1); c.266A>G, p.Tyr89Cys (NM_001407119.1, NM_001407120.1); c.242-5517A>G (NM_001035511.3); and 2 more; short protein forms Y126C, Y73C, Y92C, Y105C, Y166C, Y90C, Y107C, Y89C.
Identifiers: ClinVar variation 428933 (VCV000428933.45), dbSNP rs898854295, ClinGen allele CA31433576.

ClinVar aggregate classification (germline): Pathogenic/Likely pathogenic. Review status: criteria provided, multiple submitters, no conflicts (2 of 4 stars). 15 submissions from 15 submitters: Pathogenic (1); Likely pathogenic (13). 1 of the submissions does not count toward it. Last evaluated 2026-07-20.

Conditions:
SDHC-related disorder. Also called: SDHC-related condition.
Carney-Stratakis syndrome. Also called: PARAGANGLIOMA AND GASTROINTESTINAL STROMAL TUMOR. Identifiers: Orphanet 97286, MedGen C1847319, MONDO:0011740, OMIM 606864.
Pheochromocytoma/paraganglioma syndrome 3. Also called: SDHC-Related Hereditary Paraganglioma-Pheochromocytoma Syndrome (Paragangliomas 3); SDHC-Related Hereditary Paraganglioma-Pheochromocytoma Syndrome; GLOMUS TUMORS, FAMILIAL, 3; Paragangliomas 3. Identifiers: Orphanet 29072, MedGen C1854336, MONDO:0011544, OMIM 605373.
Gastrointestinal stromal tumor. Also called: Gastrointestinal stromal tumor, somatic; Gastrointestinal stroma tumor. Identifiers: Orphanet 44890, MedGen C0238198, MeSH D046152, MONDO:0011719, OMIM 606764, HP:0100723.
Hereditary pheochromocytoma and paraganglioma. Also called: Hereditary pheochromocytoma-paraganglioma; Hereditary paragangliomas and pheochromocytomas; Hereditary Paraganglioma-Pheochromocytoma Syndromes. Identifiers: Orphanet 29072, MedGen C4274332, MONDO:0017366.
Hereditary cancer-predisposing syndrome. Also called: Neoplastic Syndromes, Hereditary; Hereditary neoplastic syndrome; Hereditary Cancer Syndrome; Tumor predisposition. Identifiers: Orphanet 140162, MedGen C0027672, MeSH D009386, MONDO:0015356.
Inherited phaeochromocytoma and paraganglioma excluding NF1.

Allele frequency attached by ClinVar (database versions not stated): TOPMed 0.00004; gnomAD exomes 0.00005; gnomAD 0.00003.
gnomAD v4.1: 78 of 1,613,948 alleles (0.0048%); highest among the groups gnomAD compares: Non-Finnish European, 0.0064%; no homozygotes.

Submissions 1 to 9 of 15:

Ambry Genetics
Classification: Likely pathogenic for Hereditary cancer-predisposing syndrome. Last evaluated: 2026-07-20. Review status: criteria provided, single submitter. Criteria: Ambry Variant Classification Scheme 2023. Collection method: clinical testing. Allele origin: germline.
Comment: The c.377A>G (p.Y126C) alteration is located in exon 5 (coding exon 5) of the SDHC gene. This alteration results from a A to G substitution at nucleotide position 377, causing the tyrosine (Y) at amino acid position 126 to be replaced by a cysteine (C). This variant was not reported in population-based cohorts in the Genome Aggregation Database (gnomAD). This alteration has been reported in multiple individuals diagnosed with paragangliomas (Ambry internal data; F.S. Lozano, 2010; Sen, 2020; Williams, 2022). This amino acid position is highly conserved in available vertebrate species. This alteration is predicted to be deleterious by in silico analysis. Based on the available evidence, this alteration is classified as likely pathogenic.

PreventionGenetics, part of Exact Sciences
Classification: Likely pathogenic for SDHC-related condition. Last evaluated: 2026-06-23. Review status: criteria provided, single submitter. Criteria: ACMG Guidelines, 2015. Collection method: clinical testing. Allele origin: germline.
Comment: The SDHC c.377A>G variant is predicted to result in the amino acid substitution p.Tyr126Cys. This variant has been reported in five unrelated individuals with head and neck paraganglioma (Lozano Sánchez et al. 2010. Angiologia. 62(6): 214-18. DOI 10.1016/S0003-3170(10)70051-1; Table S1, Verginelli et al. 2018. PubMed ID: 29305721; Supplement, Sen et al. 2020. PubMed ID: 32035780; Williams et al. 2022. PubMed ID: 34558728). It has also been reported as a likely pathogenic, paternally-inherited secondary finding in a pediatric individual with a neurodevelopmental indication (Halfmeyer et al. 2022. PubMed ID: 36672771). This variant is predicted to be protein destabilizing (Williams et al. 2022. PubMed ID: 34558728). This variant has not been reported in gnomAD, indicating this variant is rare. This variant has been reported in ClinVar as likely pathogenic and pathogenic by outside laboratories (Variation ID: 428933). This variant is interpreted as likely pathogenic.

Labcorp Genetics (formerly Invitae), Labcorp
Classification: Pathogenic for Pheochromocytoma/paraganglioma syndrome 3; Gastrointestinal stromal tumor. Last evaluated: 2025-12-13. Review status: criteria provided, single submitter. Criteria: Invitae Variant Classification Sherloc (09022015). Collection method: clinical testing. Allele origin: germline.
Comment: This sequence change replaces tyrosine, which is neutral and polar, with cysteine, which is neutral and slightly polar, at codon 126 of the SDHC protein (p.Tyr126Cys). This variant is not present in population databases (gnomAD no frequency). This missense change has been observed in individuals with paragangliomas (internal data). ClinVar contains an entry for this variant (Variation ID: 428933). Invitae Evidence Modeling of protein sequence and biophysical properties (such as structural, functional, and spatial information, amino acid conservation, physicochemical variation, residue mobility, and thermodynamic stability) indicates that this missense variant is expected to disrupt SDHC protein function with a positive predictive value of 95%. For these reasons, this variant has been classified as Pathogenic.

GeneDx
Classification: Likely pathogenic. Last evaluated: 2025-12-11. Review status: criteria provided, single submitter. Criteria: GeneDx Variant Classification Process June 2021. Collection method: clinical testing. Allele origin: germline. Affected: yes.
Comment: Not observed at significant frequency in large population cohorts (gnomAD); In silico analysis supports that this missense variant has a deleterious effect on protein structure/function; This variant is associated with the following publications: (PMID: 34558728, 29305721, 15989954, 36672771, 41000626, 40974092, 32035780)

NHS Central & South Genomic Laboratory Hub
Classification: Likely pathogenic for Inherited phaeochromocytoma and paraganglioma excluding NF1. Last evaluated: 2025-10-21. Review status: criteria provided, single submitter. Criteria: ACMG Guidelines, 2015. Collection method: clinical testing. Allele origin: germline. Affected: yes.

Color Diagnostics, LLC DBA Color Health
Classification: Likely pathogenic for Hereditary pheochromocytoma and paraganglioma. Last evaluated: 2025-07-21. Review status: criteria provided, single submitter. Criteria: ACMG Guidelines, 2015. Collection method: clinical testing. Allele origin: germline.
Comment: This missense variant replaces tyrosine with cysteine at codon 126 of the SDHC protein. Computational prediction suggests that this variant may have deleterious impact on protein structure and function. To our knowledge, functional studies have not been reported for this variant. This variant has been reported in multiple individuals affected with paraganglioma (PMID: 19245779, 29305721, 32035780, 34558728). This variant has not been identified in the general population by the Genome Aggregation Database (gnomAD). Based on the available evidence, this variant is classified as Likely Pathogenic.

Women's Health and Genetics/Laboratory Corporation of America, LabCorp
Classification: Likely pathogenic for Hereditary pheochromocytoma and paraganglioma. Last evaluated: 2025-04-25. Review status: criteria provided, single submitter. Criteria: LabCorp Variant Classification Summary - May 2015. Collection method: clinical testing. Allele origin: germline.
Comment: Variant summary: SDHC c.377A>G (p.Tyr126Cys) results in a non-conservative amino acid change in the encoded protein sequence. Five of five in-silico tools predict a damaging effect of the variant on protein function. The variant was absent in 249038 control chromosomes. c.377A>G has been observed in individual(s) affected with Hereditary Paraganglioma-Pheochromocytoma Syndrome (example: Williams_2022, Halfmeyer_2022, Sen_2020, Internal data). These data indicate that the variant is likely to be associated with disease. To our knowledge, no experimental evidence demonstrating an impact on protein function has been reported. The following publications have been ascertained in the context of this evaluation (PMID: 36672771, 32035780, 34558728, No_PMID). ClinVar contains an entry for this variant (Variation ID: 428933). Based on the evidence outlined above, the variant was classified as likely pathogenic.

Quest Diagnostics Nichols Institute San Juan Capistrano
Classification: Likely pathogenic. Last evaluated: 2025-04-16. Review status: criteria provided, single submitter. Criteria: Quest Diagnostics criteria. Collection method: clinical testing. Allele origin: unknown.
Comment: The SDHC c.377A>G (p.Tyr126Cys) variant has been reported in the published literature in individuals with paraganglioma (PMIDs: 29305721 (2018), (32035780 (2020), 34558728 (2022)). In addition, this variant is expected to have a destabilizing effect on SDHC protein structure (PMID: 34558728 (2022)), and data from a machine-learning based missense functional modelling platform indicate that this variant disrupts protein function (Invitae, personal communication regarding ClinVar ID: 428933). This variant has not been reported in large, multi-ethnic general populations (Genome Aggregation Database). Analysis of this variant using bioinformatics tools for the prediction of the effect of amino acid changes on protein structure and function yielded predictions that this variant is damaging. Based on the available information, this variant is classified as likely pathogenic.

Molecular Pathology, Peter Maccallum Cancer Centre
Classification: Likely pathogenic for Pheochromocytoma/paraganglioma syndrome 3. Last evaluated: 2025-02-10. Review status: criteria provided, single submitter. Criteria: ACMG Guidelines, 2015. Collection method: clinical testing. Allele origin: germline. Inheritance: Autosomal dominant inheritance.